The following is an entry in ClinVar:

ClinVar aggregate classification (germline): Pathogenic/Likely pathogenic. Review status: criteria provided, multiple submitters, no conflicts (2 of 4 stars). 11 submissions from 11 submitters: Pathogenic (9); Likely pathogenic (1). 1 of the submissions does not count toward it. Last evaluated 2026-01-06.

Conditions:
RYR2-related disorder. Also called: RYR2-related condition.
Cardiovascular phenotype. Identifiers: MedGen CN230736.
Long QT syndrome (LQTS). Identifiers: MedGen C0023976, MeSH D008133, MONDO:0002442. Disease mechanism: loss of function. Inheritance: Various modes of inheritance.
Catecholaminergic polymorphic ventricular tachycardia 1. Also called: VENTRICULAR TACHYCARDIA, CATECHOLAMINERGIC POLYMORPHIC, 1, WITH OR WITHOUT ATRIAL DYSFUNCTION AND/OR DILATED CARDIOMYOPATHY; RYR2-Related Catecholaminergic Polymorphic Ventricular Tachycardia; VENTRICULAR TACHYCARDIA, STRESS-INDUCED POLYMORPHIC 1. Identifiers: Orphanet 3286, MedGen C1631597, MONDO:0011484, OMIM 604772.

Allele frequency attached by ClinVar (database versions not stated): gnomAD exomes below 0.00001.
gnomAD v4.1: 1 of 1,613,600 alleles (0.000062%); highest among the groups gnomAD compares: Non-Finnish European, 0.000085%; no homozygotes.

Submissions (11):

Labcorp Genetics (formerly Invitae), Labcorp
Classification: Pathogenic for Catecholaminergic polymorphic ventricular tachycardia 1. Last evaluated: 2026-01-06. Review status: criteria provided, single submitter. Criteria: Invitae Variant Classification Sherloc (09022015). Collection method: clinical testing. Allele origin: germline.
Comment: This sequence change replaces arginine, which is basic and polar, with glutamine, which is neutral and polar, at codon 420 of the RYR2 protein (p.Arg420Gln). This variant is not present in population databases (gnomAD no frequency). This missense change has been observed in individuals with clinical features of autosomal dominant catecholaminergic polymorphic ventricular tachycardia (CPVT) (PMID: 19926015, 23595086, 25440180, 26132555, 28449774). It has also been observed to segregate with disease in related individuals. ClinVar contains an entry for this variant (Variation ID: 201215). Invitae Evidence Modeling of protein sequence and biophysical properties (such as structural, functional, and spatial information, amino acid conservation, physicochemical variation, residue mobility, and thermodynamic stability) indicates that this missense variant is expected to disrupt RYR2 protein function with a positive predictive value of 80%. Experimental studies have shown that this missense change affects RYR2 function (PMID: 26153920, 28422759). This variant disrupts the p.Arg420 amino acid residue in RYR2. Other variant(s) that disrupt this residue have been determined to be pathogenic (PMID: 21616285, 22221940, 22373669, 22787013). This suggests that this residue is clinically significant, and that variants that disrupt this residue are likely to be disease-causing. For these reasons, this variant has been classified as Pathogenic.

Clinical Genomics Laboratory, Washington University in St. Louis
Classification: Pathogenic for Catecholaminergic polymorphic ventricular tachycardia 1. Last evaluated: 2025-04-15. Review status: criteria provided, single submitter. Criteria: ACMG Guidelines, 2015. Collection method: clinical testing. Allele origin: germline. Affected: yes.
Comment: The RYR2 c.1259G>A (p.Arg420Gln) variant has been reported in over twenty individuals affected with catecholaminergic polymorphic ventricular tachycardia and is reported to segregate with disease in multiple families (Bailey C et al., PMID: 30546600; Domingo D et al., PMID: 25440180; Kawamura M et al., PMID: 23595086; Lahrouchi N et al., PMID: 28449774; Marx A et al., PMID: 30820400; Medeiros-Domingo A et al., PMID: 19926015; Shigemizu D et al., PMID: 26132555; Shimamoto K et al., PMID: 35135837). Functional studies show this variant results in conformational changes that activate the channel, resulting in increased diastolic calcium release (Kimlicka L et al., PMID: 23871484; Novak A et al., PMID: 26153920; Wang YY et al., PMID: 28422759 ). Another variant in the same codon, c.1258>T (p.Arg420Trp), has been reported in CPTV-affected individuals and is considered pathogenic (Medeiros-Domingo A et al., PMID: 19926015; Shimamoto K et al., PMID: 35135837; Variation ID: 201214). This variant resides within one of four hot-spot regions (amino acids 77-466) where the majority of pathogenic variants occur (George CH et al., PMID: 17081562). This variant is only observed on 1 out of 1,613,600 alleles in the general population (gnomAD v4.1.1), indicating it is not a common variant. This variant has been reported in the ClinVar database as a germline pathogenic variant by six submitters (Variation ID: 201215). Based on available information and the ACMG/AMP guidelines for variant interpretation (Richards S et al., PMID: 25741868), this variant is classified as pathogenic.

KardioGenetik, Herz- und Diabeteszentrum NRW
Classification: Pathogenic for Catecholaminergic polymorphic ventricular tachycardia 1. Last evaluated: 2024-05-23. Review status: criteria provided, single submitter. Criteria: ACMG Guidelines, 2015. Collection method: clinical testing. Allele origin: unknown. Affected: yes. Observed: 1 variant allele.
Comment: PS4_moderate, PM1, PM2_supporting, PM5, PP1_strong, PP2, PP3_moderate, PS3_supporting

GeneDx
Classification: Pathogenic. Last evaluated: 2023-02-22. Review status: criteria provided, single submitter. Criteria: GeneDx Variant Classification Process June 2021. Collection method: clinical testing. Allele origin: germline. Affected: yes.
Comment: Reported in association with CPVT and/or sudden unexplained death in the published literature (Medeiros-Domingo et al., 2009; van der Werf et al., 2011; Ohno et al., 2015; Shigemizu et al. 2015); Published functional studies demonstrate a damaging effect (altered the orientations of RYR2 channel domain which is required for protein stability) (Kimlicka et al., 2013); Not observed at significant frequency in large population cohorts (gnomAD); Located in one of the three hot-spot regions of the RYR2 gene, where the majority of pathogenic missense variants occur (Medeiros-Domingo et al., 2009); This variant is associated with the following publications: (PMID: 24025405, 25372681, 26114861, 21616285, 22334434, 25440180, 26153920, 26132555, 27452199, 27761165, 27916777, 28422759, 28449774, 28012210, 29434162, 31112425, 31337358, 31535183, 32605058, 34135346, 34076677, 19926015, 23871484)

MGZ Medical Genetics Center
Classification: Pathogenic for Catecholaminergic polymorphic ventricular tachycardia 1. Last evaluated: 2022-02-25. Review status: criteria provided, single submitter. Criteria: ACMG Guidelines, 2015. Collection method: clinical testing. Allele origin: germline. Affected: yes. Observed: 1 variant allele.
Comment: ACMG criteria applied: PS3, PM1, PM5, PM2_SUP, PP1, PP2, PP3

Blueprint Genetics
Classification: Pathogenic for RYR2-related disorders. Last evaluated: 2020-10-09. Review status: criteria provided, single submitter. Criteria: ACMG Guidelines, 2015. Collection method: clinical testing. Allele origin: germline. Affected: yes. Observed: 2 variant alleles.

Ambry Genetics
Classification: Pathogenic for Cardiovascular phenotype. Last evaluated: 2019-01-09. Review status: criteria provided, single submitter. Criteria: Ambry Variant Classification Scheme 2023. Collection method: clinical testing. Allele origin: germline.
Comment: The p.R420Q pathogenic mutation (also known as c.1259G>A), located in coding exon 14 of the RYR2 gene, results from a G to A substitution at nucleotide position 1259. The arginine at codon 420 is replaced by glutamine, an amino acid with highly similar properties. This alteration has been seen in several cohorts of patients with catecholaminergic polymorphic ventricular tachycardia (CPVT), suspected long QT syndrome, or sudden death (Medeiros-Domingo A et al. J Am Coll Cardiol. 2009; 54(22):2065-74; van der Werf C et al. J Am Coll Cardiol. 2011; 57(22):2244-54; Lahrouchi N et al. J Am Coll Cardiol. 2017;69(17):2134-2145). This alteration also segregated with disease in a large family with CPVT (Domingo D et al. Rev Esp Cardiol (Engl Ed). 2015; 68(5):398-407). In addition, functional in vitro studies suggest this alteration causes conformational changes that likely activate the channel (Kimlicka L et al. Structure. 2013; 21(8):1440-9), while additional assays, utilizing induced pluripotent stem cell-derived cardiomyocytes (iPSC-CM) or knock-in (KI) mouse models, showed that this alteration disrupts protein function, resulting in increased diastolic Ca2+ release (Novak A et al. J Cell Mol Med. 2015;19:2006-18; Wang YY et al. JCI Insight. 2017;2(8). Epub ahead of print. doi:10.1172/jci.insight.91872). Based on the supporting evidence, this alteration is interpreted as a disease-causing mutation.

Clinical Genetics and Genomics, Karolinska University Hospital
Classification: Pathogenic. Last evaluated: 2016-06-13. Review status: criteria provided, single submitter. Criteria: ACMG Guidelines, 2015. Collection method: clinical testing. Allele origin: germline. Affected: yes. Observed: 1 variant allele.

Stanford Center for Inherited Cardiovascular Disease, Stanford University
Classification: Likely pathogenic. Last evaluated: 2015-03-19. Review status: criteria provided, single submitter. Criteria: ACMG Guidelines, 2015. Collection method: provider interpretation. Allele origin: germline.

Clinical Genetics Service, Universitary Hospital 12 de Octubre
Classification: Pathogenic for Catecholaminergic polymorphic ventricular tachycardia 1. Review status: criteria provided, single submitter. Criteria: ACMG Guidelines, 2015. Collection method: clinical testing. Allele origin: germline. Affected: yes.

Medical Research Institute, Tokyo Medical and Dental University
Classification: Uncertain significance for Long QT syndrome. Review status: no assertion criteria provided. Collection method: research. Allele origin: germline. Affected: yes. Not counted in ClinVar's aggregate classification.

Literature cited by the submitters: PubMed 19926015 (cited by Labcorp Genetics (formerly Invitae), Labcorp and Ambry Genetics); PubMed 23595086 (cited by Labcorp Genetics (formerly Invitae), Labcorp); PubMed 25440180 (cited by Labcorp Genetics (formerly Invitae), Labcorp and Ambry Genetics); PubMed 26132555 (cited by 3 submitters); PubMed 28449774 (cited by Labcorp Genetics (formerly Invitae), Labcorp); PubMed 26153920 (cited by Labcorp Genetics (formerly Invitae), Labcorp and Ambry Genetics); PubMed 28422759 (cited by Labcorp Genetics (formerly Invitae), Labcorp and Ambry Genetics); PubMed 21616285 (cited by Labcorp Genetics (formerly Invitae), Labcorp and Ambry Genetics); PubMed 22221940 (cited by Labcorp Genetics (formerly Invitae), Labcorp); PubMed 22373669 (cited by Labcorp Genetics (formerly Invitae), Labcorp); PubMed 22787013 (cited by Labcorp Genetics (formerly Invitae), Labcorp); PubMed 23871484 (cited by Ambry Genetics); PubMed 25554238 (cited by Ambry Genetics); PubMed 26114861 (cited by Ambry Genetics); PubMed 27452199 (cited by Ambry Genetics).

NM_001035.3(RYR2):c.1259G>A (p.Arg420Gln)

Gene: RYR2 (ryanodine receptor 2; plus strand). Cytogenetic location: 1q43.
Variant type: single nucleotide variant.
Coding change: c.1259G>A on transcript NM_001035.3 (MANE Select); coding-DNA position 1259, G replaced by A.
Protein change: p.Arg420Gln; replaces arginine 420 with glutamine.
Molecular consequence: missense variant.
Genome position (GRCh38, 1-based): chr1:237,445,489, G>A. VCF-style: chr1-237445489-G-A. GRCh37 (hg19) VCF-style: chr1-237608789-G-A.
Other names: p.R420Q:CGG>CAG; c.1259G>A, p.Arg420Gln (LRG_402t1); short protein forms R420Q.
Identifiers: ClinVar variation 201215 (VCV000201215.24), dbSNP rs794728721, ClinGen allele CA007630.